The following is an entry in ClinVar:

NM_015046.7(SETX):c.2278A>G (p.Thr760Ala)

Gene: SETX (senataxin; minus strand). Cytogenetic location: 9q34.13.
Variant type: single nucleotide variant.
Coding change: c.2278A>G on transcript NM_015046.7 (MANE Select); coding-DNA position 2278, A replaced by G.
Protein change: p.Thr760Ala; replaces threonine 760 with alanine.
Molecular consequence: missense variant.
Genome position (GRCh38, 1-based): chr9:132,329,320, T>C on the plus strand (A>G on the coding strand, the complement: SETX is on the minus strand). VCF-style: chr9-132329320-T-C. GRCh37 (hg19) VCF-style: chr9-135204707-T-C.
Other names: c.2278A>G, p.Thr760Ala (NM_001351527.2, NM_001351528.2); short protein forms T760A.
Identifiers: ClinVar variation 914088 (VCV000914088.47), dbSNP rs373647065, ClinGen allele CA5297632.

ClinVar aggregate classification (germline): Conflicting classifications of pathogenicity. Review status: criteria provided, conflicting classifications (1 of 4 stars). 6 submissions from 5 submitters: Uncertain significance (4); Likely benign (2). Last evaluated 2025-11-04.

Conditions:
Amyotrophic lateral sclerosis type 4 (ALS4). Also called: AMYOTROPHIC LATERAL SCLEROSIS 4, JUVENILE; NEURONOPATHY, DISTAL HEREDITARY MOTOR, WITH PYRAMIDAL FEATURES. Identifiers: Orphanet 357043, MedGen C1865409, MONDO:0011223, OMIM 602433.
Spinocerebellar ataxia, autosomal recessive, with axonal neuropathy 2 (SCAN2). Also called: Ataxia with Oculomotor Apraxia Type 2; ATAXIA-OCULOMOTOR APRAXIA 2; Ataxia with Oculomotor Apraxia; Ataxia-ocular apraxia-2. Identifiers: Orphanet 64753, MedGen C1853761, MONDO:0018996, OMIM 606002.
SETX-related disorder. Also called: SETX-related condition; SETX-related disorders. Identifiers: MedGen CN239403.
Inborn genetic diseases. Identifiers: MedGen C0950123, MeSH D030342.

Allele frequency attached by ClinVar (database versions not stated): ExAC 0.00001; gnomAD 0.00001; gnomAD exomes 0.00001; TOPMed 0.00001; ESP Exome Variant Server 0.00008.
gnomAD v4.1: 14 of 1,613,784 alleles (0.00087%); highest among the groups gnomAD compares: Admixed American, 0.0017%; no homozygotes.

Submissions (6):

PreventionGenetics, part of Exact Sciences
Classification: Uncertain significance for SETX-related condition. Last evaluated: 2025-11-04. Review status: criteria provided, single submitter. Criteria: ACMG Guidelines, 2015. Collection method: clinical testing. Allele origin: germline.
Comment: The SETX c.2278A>G variant is predicted to result in the amino acid substitution p.Thr760Ala. This variant has been reported in the heterozygous state in an individual with ataxia (Zühlke et al. 2007. PubMed ID: 18058631). This variant is reported in 0.0026% of alleles in individuals of European (Non-Finnish) descent in gnomAD. At this time, the clinical significance of this variant is uncertain due to the absence of conclusive functional and genetic evidence.

Labcorp Genetics (formerly Invitae), Labcorp
Classification: Likely benign for Amyotrophic lateral sclerosis type 4; Spinocerebellar ataxia, autosomal recessive, with axonal neuropathy 2. Last evaluated: 2024-12-03. Review status: criteria provided, single submitter. Criteria: Invitae Variant Classification Sherloc (09022015). Collection method: clinical testing. Allele origin: germline.

CeGaT Center for Human Genetics Tuebingen
Classification: Uncertain significance. Last evaluated: 2022-09-01. Review status: criteria provided, single submitter. Criteria: CeGaT Center For Human Genetics Tuebingen Variant Classification Criteria Version 2. Collection method: clinical testing. Allele origin: germline. Affected: yes. Observed: 2 variant alleles.
Comment: SETX: PM2, BP4

Ambry Genetics
Classification: Likely benign for Inborn genetic diseases. Last evaluated: 2021-05-28. Review status: criteria provided, single submitter. Criteria: Ambry Variant Classification Scheme 2023. Collection method: clinical testing. Allele origin: germline.

Illumina Laboratory Services, Illumina
Classification: Uncertain significance for Spinocerebellar ataxia, autosomal recessive, with axonal neuropathy 2. Last evaluated: 2018-01-12. Review status: criteria provided, single submitter. Criteria: ICSL Variant Classification Criteria 13 December 2019. Collection method: clinical testing. Allele origin: germline.

Illumina Laboratory Services, Illumina
Classification: Uncertain significance for Amyotrophic lateral sclerosis type 4. Last evaluated: 2018-01-12. Review status: criteria provided, single submitter. Criteria: ICSL Variant Classification Criteria 13 December 2019. Collection method: clinical testing. Allele origin: germline.